The following is an entry in ClinVar:

ClinVar aggregate classification (germline): Benign. Review status: criteria provided, multiple submitters, no conflicts (2 of 4 stars). 3 submissions from 3 submitters: Benign (2). 1 of the submissions does not count toward it. Last evaluated 2024-12-04.

Conditions:
KRT74-related disorder. Also called: KRT74-related condition.

Allele frequency attached by ClinVar (database versions not stated): gnomAD exomes 0.00052; 1000 Genomes Project 30x 0.00187; gnomAD 0.00212 and 0.00225; ESP Exome Variant Server 0.00292; ExAC 0.00068; TOPMed 0.00241; 1000 Genomes Project 0.00200.

Submissions (3):

Labcorp Genetics (formerly Invitae), Labcorp
Classification: Benign. Last evaluated: 2024-12-04. Review status: criteria provided, single submitter. Criteria: Invitae Variant Classification Sherloc (09022015). Collection method: clinical testing. Allele origin: germline.

Breakthrough Genomics
Classification: Benign. Review status: criteria provided, single submitter. Criteria: ACMG Guidelines, 2015. Collection method: not provided. Allele origin: germline. Inheritance: Autosomal recessive inheritance. Affected: yes.

PreventionGenetics, part of Exact Sciences
Classification: Likely benign for KRT74-related condition. Last evaluated: 2019-04-09. Review status: no assertion criteria provided. Collection method: clinical testing. Allele origin: germline. Not counted in ClinVar's aggregate classification.
Comment: This variant is classified as likely benign based on ACMG/AMP sequence variant interpretation guidelines (Richards et al. 2015 PMID: 25741868, with internal and published modifications).

NM_175053.4(KRT74):c.1515G>T (p.Ala505=)

Gene: KRT74 (keratin 74; minus strand). Cytogenetic location: 12q13.13.
Variant type: single nucleotide variant.
Coding change: c.1515G>T on transcript NM_175053.4 (MANE Select); coding-DNA position 1515, G replaced by T.
Protein change: p.Ala505=; no amino-acid change (alanine 505 retained).
Molecular consequence: synonymous variant.
Genome position (GRCh38, 1-based): chr12:52,567,044, C>A on the plus strand (G>T on the coding strand, the complement: KRT74 is on the minus strand). VCF-style: chr12-52567044-C-A. GRCh37 (hg19) VCF-style: chr12-52960828-C-A.
Identifiers: ClinVar variation 712119 (VCV000712119.10), dbSNP rs114132371, ClinGen allele CA6583619.